The following is an entry in ClinVar:

ClinVar aggregate classification (germline): Likely pathogenic (1 of 4 stars; one submission).

Conditions:
Nemaline myopathy 2 (NEM2). Also called: Nemaline myopathy 2, autosomal recessive. Identifiers: MedGen C1850569, MONDO:0009725, OMIM 256030.

Submission:

Myriad Genetics, Inc.
Classification: Likely pathogenic for Nemaline myopathy 2. Last evaluated: 2022-02-25. Review status: criteria provided, single submitter. Criteria: Myriad Women's Health Autosomal Recessive and X-Linked Classification Criteria (2021). Collection method: clinical testing. Allele origin: unknown.
Comment: NM_001271208.1(NEB):c.9729_9731delATAinsCT(Y3244Sfs*60) is expected to be pathogenic in the context of NEB-related nemaline myopathy. This variant is predicted to lead to an abnormal or absent protein product due to the creation of a premature termination codon in NEB, a gene where loss-of-function variants are known to be pathogenic. Please note: this variant was assessed in the context of healthy population screening.

NM_001164508.2(NEB):c.9729_9731delinsCT (p.Tyr3244fs)

Gene: NEB (nebulin; minus strand). Cytogenetic location: 2q23.3.
Variant type: Indel.
Coding change: c.9729_9731delinsCT on transcript NM_001164508.2 (MANE Select); coding-DNA positions 9729 to 9731, ATA replaced by CT.
Protein change: p.Tyr3244fs; shifts the reading frame from tyrosine 3244.
Molecular consequence: frameshift variant.
Genome position (GRCh38, 1-based): chr2:151,629,639-151,629,641, TAT replaced by AG on the plus strand (ATA replaced by CT on the coding strand, the reverse complement: NEB is on the minus strand). VCF-style: chr2-151629639-TAT-AG. GRCh37 (hg19) VCF-style: chr2-152486153-TAT-AG.
Other names: c.9729_9731delinsCT, p.Tyr3244fs (NM_001164507.2, NM_001271208.2); c.9000_9002delinsCT, p.Tyr3001fs (NM_004543.5); short protein forms Y3001fs, Y3244fs.
Identifiers: ClinVar variation 1724774 (VCV001724774.2), dbSNP rs2552237562, ClinGen allele CA2580063889.
Genomic context (GRCh38, chr2:151,629,639, plus strand): 5'-GGGATGGCGTCACTTCGCAAGTCGTAGCCTTTCTTTTTTGCTTCTTCATTGGCAAGTTTG[TAT>AG]AGAGTCTATGAAAAGAAAGGCAAAGAGTTAAAGCAAAAGGTTTGACATCAACAATTCAGA-3'